The following is an entry in ClinVar:

ClinVar aggregate classification (germline): Uncertain significance. Review status: criteria provided, multiple submitters, no conflicts (2 of 4 stars). 2 submissions from 2 submitters: Uncertain significance (2). Last evaluated 2025-01-12.

Conditions:
Inborn genetic diseases. Identifiers: MedGen C0950123, MeSH D030342.

Allele frequency attached by ClinVar (database versions not stated): gnomAD 0.00001; gnomAD exomes 0.00001.

Submissions (2):

Labcorp Genetics (formerly Invitae), Labcorp
Classification: Uncertain significance. Last evaluated: 2025-01-12. Review status: criteria provided, single submitter. Criteria: Invitae Variant Classification Sherloc (09022015). Collection method: clinical testing. Allele origin: germline.
Comment: This sequence change replaces leucine, which is neutral and non-polar, with phenylalanine, which is neutral and non-polar, at codon 17 of the LEMD3 protein (p.Leu17Phe). This variant is present in population databases (no rsID available, gnomAD 0.002%). This variant has not been reported in the literature in individuals affected with LEMD3-related conditions. ClinVar contains an entry for this variant (Variation ID: 1004584). Invitae Evidence Modeling of protein sequence and biophysical properties (such as structural, functional, and spatial information, amino acid conservation, physicochemical variation, residue mobility, and thermodynamic stability) indicates that this missense variant is expected to disrupt LEMD3 protein function with a positive predictive value of 80%. In summary, the available evidence is currently insufficient to determine the role of this variant in disease. Therefore, it has been classified as a Variant of Uncertain Significance.

Ambry Genetics
Classification: Uncertain significance for Inborn genetic diseases. Last evaluated: 2022-08-30. Review status: criteria provided, single submitter. Criteria: Ambry Variant Classification Scheme 2023. Collection method: clinical testing. Allele origin: germline.

NM_014319.5(LEMD3):c.49C>T (p.Leu17Phe)

Gene: LEMD3 (LEM domain containing 3; plus strand). Cytogenetic location: 12q14.3.
Variant type: single nucleotide variant.
Coding change: c.49C>T on transcript NM_014319.5 (MANE Select); coding-DNA position 49, C replaced by T.
Protein change: p.Leu17Phe; replaces leucine 17 with phenylalanine.
Molecular consequence: missense variant.
Genome position (GRCh38, 1-based): chr12:65,169,645, C>T. VCF-style: chr12-65169645-C-T. GRCh37 (hg19) VCF-style: chr12-65563425-C-T.
Other names: c.49C>T, p.Leu17Phe (NM_001167614.2); c.49C>T (NM_014319.4); short protein forms L17F.
Identifiers: ClinVar variation 1004584 (VCV001004584.9), dbSNP rs1417326478, ClinGen allele CA385670854.